The following is an entry in ClinVar:

ClinVar aggregate classification (germline): Uncertain significance (1 of 4 stars; one submission).

Conditions:
Facioscapulohumeral muscular dystrophy 2 (FSHD2). Also called: MUSCULAR DYSTROPHY, FACIOSCAPULOHUMERAL, TYPE 1B; FACIOSCAPULOHUMERAL MUSCULAR DYSTROPHY 2, DIGENIC; FSHD2, DIGENIC. Identifiers: Orphanet 269, MedGen C1834671, MONDO:0008031, OMIM 158901.

Submission:

Labcorp Genetics (formerly Invitae), Labcorp
Classification: Uncertain significance for Facioscapulohumeral muscular dystrophy 2. Last evaluated: 2022-08-09. Review status: criteria provided, single submitter. Criteria: Invitae Variant Classification Sherloc (09022015). Collection method: clinical testing. Allele origin: germline.
Comment: ClinVar contains an entry for this variant (Variation ID: 1391327). This variant has not been reported in the literature in individuals affected with SMCHD1-related conditions. This variant is not present in population databases (gnomAD no frequency). This sequence change replaces isoleucine, which is neutral and non-polar, with leucine, which is neutral and non-polar, at codon 1269 of the SMCHD1 protein (p.Ile1269Leu). In summary, the available evidence is currently insufficient to determine the role of this variant in disease. Therefore, it has been classified as a Variant of Uncertain Significance. Algorithms developed to predict the effect of missense changes on protein structure and function (SIFT, PolyPhen-2, Align-GVGD) all suggest that this variant is likely to be tolerated.

NM_015295.3(SMCHD1):c.3805A>C (p.Ile1269Leu)

Gene: SMCHD1 (structural maintenance of chromosomes flexible hinge domain containing 1; plus strand). Cytogenetic location: 18p11.32.
Variant type: single nucleotide variant.
Coding change: c.3805A>C on transcript NM_015295.3 (MANE Select); coding-DNA position 3805, A replaced by C.
Protein change: p.Ile1269Leu; replaces isoleucine 1269 with leucine.
Molecular consequence: missense variant.
Genome position (GRCh38, 1-based): chr18:2,747,525, A>C. VCF-style: chr18-2747525-A-C. GRCh37 (hg19) VCF-style: chr18-2747523-A-C.
Other names: short protein forms I1269L.
Identifiers: ClinVar variation 1391327 (VCV001391327.8), dbSNP rs2075478758, ClinGen allele CA401690417.